The following is an entry in ClinVar:

NM_000260.4(MYO7A):c.593-5C>T

Gene: MYO7A (myosin VIIA; plus strand). Cytogenetic location: 11q13.5.
Variant type: single nucleotide variant.
Coding change: c.593-5C>T on transcript NM_000260.4 (MANE Select); 5 bases into the intron before coding-DNA position 593, C replaced by T.
Molecular consequence: intron variant.
Genome position (GRCh38, 1-based): chr11:77,156,857, C>T. VCF-style: chr11-77156857-C-T. GRCh37 (hg19) VCF-style: chr11-76867903-C-T.
Other names: c.560-5C>T (NM_001369365.1); c.593-5C>T (NM_001127180.2).
Identifiers: ClinVar variation 43307 (VCV000043307.23), dbSNP rs762666, ClinGen allele CA132409.

ClinVar aggregate classification (germline): Benign. Review status: criteria provided, multiple submitters, no conflicts (2 of 4 stars). 10 submissions from 8 submitters: Benign (9). 1 of the submissions does not count toward it. Last evaluated 2026-02-02.

Conditions:
Usher syndrome type 1 (USH1). Also called: RETINITIS PIGMENTOSA AND CONGENITAL DEAFNESS. Identifiers: Orphanet 231169, Orphanet 886, MedGen C1568247, MONDO:0010168, OMIM 276900.
Usher syndrome type 1B (USH1B). Also called: Usher syndrome type IB. Identifiers: MedGen C1848638, MONDO:0700087.
Autosomal recessive nonsyndromic hearing loss 2. Also called: DEAFNESS, AUTOSOMAL RECESSIVE 2; NEUROSENSORY NONSYNDROMIC RECESSIVE DEAFNESS 2. Identifiers: Orphanet 90636, MedGen C1838701, MONDO:0010807, OMIM 600060.
Autosomal dominant nonsyndromic hearing loss 11. Identifiers: Orphanet 90635, MedGen C1832475, MONDO:0011032, OMIM 601317.

Allele frequency attached by ClinVar (database versions not stated): gnomAD exomes 0.00572 and 0.01460; 1000 Genomes Project 30x 0.07199; ExAC 0.01777; gnomAD 0.05825 and 0.06264; ESP Exome Variant Server 0.06043; TOPMed 0.06493; 1000 Genomes Project 0.06869.
gnomAD v4.1: 17,601 of 1,613,874 alleles (1.1%); highest among the groups gnomAD compares: African/African-American, 20%; 1,640 homozygotes.

Submissions (10):

Labcorp Genetics (formerly Invitae), Labcorp
Classification: Benign. Last evaluated: 2026-02-02. Review status: criteria provided, single submitter. Criteria: Invitae Variant Classification Sherloc (09022015). Collection method: clinical testing. Allele origin: germline.

Women's Health and Genetics/Laboratory Corporation of America, LabCorp
Classification: Benign. Last evaluated: 2026-01-08. Review status: criteria provided, single submitter. Criteria: LabCorp Variant Classification Summary - May 2015. Collection method: clinical testing. Allele origin: germline.

Athena Diagnostics
Classification: Benign. Last evaluated: 2018-11-12. Review status: criteria provided, single submitter. Criteria: Athena Diagnostics Criteria. Collection method: clinical testing. Allele origin: germline.

Illumina Laboratory Services, Illumina
Classification: Benign for Autosomal dominant nonsyndromic hearing loss 11. Last evaluated: 2018-01-12. Review status: criteria provided, single submitter. Criteria: ICSL Variant Classification Criteria 13 December 2019. Collection method: clinical testing. Allele origin: germline.
Comment: This variant was observed in the ICSL laboratory as part of a predisposition screen in an ostensibly healthy population. It had not been previously curated by ICSL or reported in the Human Gene Mutation Database (HGMD: prior to June 1st, 2018), and was therefore a candidate for classification through an automated scoring system. Utilizing variant allele frequency, disease prevalence and penetrance estimates, and inheritance mode, an automated score was calculated to assess if this variant is too frequent to cause the disease. Based on the score and internal cut-off values, a variant classified as benign is not then subjected to further curation. The score for this variant resulted in a classification of benign for this disease.

Illumina Laboratory Services, Illumina
Classification: Benign for Usher syndrome type 1. Last evaluated: 2018-01-12. Review status: criteria provided, single submitter. Criteria: ICSL Variant Classification Criteria 13 December 2019. Collection method: clinical testing. Allele origin: germline.
Comment: the same text as in the submission from Illumina Laboratory Services, Illumina above.

Illumina Laboratory Services, Illumina
Classification: Benign for Autosomal recessive nonsyndromic hearing loss 2. Last evaluated: 2018-01-12. Review status: criteria provided, single submitter. Criteria: ICSL Variant Classification Criteria 13 December 2019. Collection method: clinical testing. Allele origin: germline.
Comment: the same text as in the submission from Illumina Laboratory Services, Illumina above.

GeneDx
Classification: Benign. Last evaluated: 2015-03-03. Review status: criteria provided, single submitter. Criteria: GeneDx Variant Classification Process June 2021. Collection method: clinical testing. Allele origin: germline. Affected: yes.

Laboratory for Molecular Medicine, Mass General Brigham Personalized Medicine
Classification: Benign. Last evaluated: 2009-07-20. Review status: criteria provided, single submitter. Criteria: LMM Criteria. Collection method: clinical testing. Allele origin: germline. Observed: 80 variant alleles.

Breakthrough Genomics
Classification: Benign. Review status: criteria provided, single submitter. Criteria: ACMG Guidelines, 2015. Collection method: not provided. Allele origin: germline. Inheritance: Autosomal recessive inheritance. Affected: yes.

Natera, Inc.
Classification: Benign for Usher syndrome type 1B. Last evaluated: 2020-09-16. Review status: no assertion criteria provided. Collection method: clinical testing. Allele origin: germline. Not counted in ClinVar's aggregate classification.